The following is an entry in ClinVar:

ClinVar aggregate classification (germline): Likely benign. Review status: criteria provided, multiple submitters, no conflicts (2 of 4 stars). 2 submissions from 2 submitters: Likely benign (2). Last evaluated 2026-01-27.

Allele frequency attached by ClinVar (database versions not stated): ExAC 0.00003; gnomAD 0.00010 and 0.00011; TOPMed 0.00010; ESP Exome Variant Server 0.00015.
gnomAD v4.1: 157 of 1,612,432 alleles (0.0097%); highest among the groups gnomAD compares: African/African-American, 0.021%; no homozygotes.

Submissions (2):

Labcorp Genetics (formerly Invitae), Labcorp
Classification: Likely benign. Last evaluated: 2026-01-27. Review status: criteria provided, single submitter. Criteria: Invitae Variant Classification Sherloc (09022015). Collection method: clinical testing. Allele origin: germline.

CeGaT Center for Human Genetics Tuebingen
Classification: Likely benign. Last evaluated: 2024-09-01. Review status: criteria provided, single submitter. Criteria: CeGaT Center For Human Genetics Tuebingen Variant Classification Criteria Version 2. Collection method: clinical testing. Allele origin: germline. Affected: yes. Observed: 1 variant allele.
Comment: ITPR1: BP4, BP7

NM_001378452.1(ITPR1):c.1983C>T (p.Asn661=)

Gene: ITPR1 (inositol 1,4,5-trisphosphate receptor type 1; plus strand). Cytogenetic location: 3p26.1.
Variant type: single nucleotide variant.
Coding change: c.1983C>T on transcript NM_001378452.1 (MANE Select); coding-DNA position 1983, C replaced by T.
Protein change: p.Asn661=; no amino-acid change (asparagine 661 retained).
Molecular consequence: synonymous variant.
Genome position (GRCh38, 1-based): chr3:4,669,750, C>T. VCF-style: chr3-4669750-C-T. GRCh37 (hg19) VCF-style: chr3-4711434-C-T.
Other names: c.1983C>T, p.Asn661= (NM_001099952.4); c.1938C>T, p.Asn646= (NM_001168272.2, NM_002222.7).
Identifiers: ClinVar variation 1588875 (VCV001588875.22), dbSNP rs369495242, ClinGen allele CA2231318.